The following is an entry in ClinVar:

ClinVar aggregate classification (germline): Uncertain significance (1 of 4 stars; one submission).

Conditions:
Achondroplasia (ACH). Also called: Achondroplastic dwarfism. Identifiers: Orphanet 15, MedGen C0001080, MONDO:0007037, OMIM 100800. Disease mechanism: gain of function.
Malignant tumor of urinary bladder. Also called: Bladder cancer; Urinary Bladder Neoplasms; Urinary bladder cancer. Identifiers: MedGen C0005684, MONDO:0001187, OMIM 109800.
Camptodactyly-tall stature-scoliosis-hearing loss syndrome. Also called: CATSHL SYNDROME. Identifiers: Orphanet 85164, MedGen C1864852, MONDO:0012504, OMIM 610474.
Cervical cancer. Also called: Cancer of cervix; Cervix cancer; Cervical cancer, somatic. Identifiers: MedGen C4048328, MONDO:0002974, OMIM 603956, HP:0030079.
Epidermal nevus. Also called: NEVUS, KERATINOCYTIC, NONEPIDERMOLYTIC; Nevus, epidermal, somatic. Identifiers: Orphanet 79414, MedGen C0334082, MONDO:0008093, OMIM 162900, HP:0010816.
Crouzon syndrome-acanthosis nigricans syndrome. Also called: CROUZONODERMOSKELETAL SYNDROME. Identifiers: Orphanet 93262, MedGen C2677099, MONDO:0012833, OMIM 612247.
Muenke syndrome (MNKES). Also called: MUENKE NONSYNDROMIC CORONAL CRANIOSYNOSTOSIS. Identifiers: Orphanet 53271, MedGen C1864436, MONDO:0011274, OMIM 602849.
Thanatophoric dysplasia type 1 (TD1). Also called: Thanatophoric Dysplasia Type 1 (TD Type 1); PLATYSPONDYLIC LETHAL SKELETAL DYSPLASIA, SAN DIEGO TYPE; LETHAL SHORT-LIMBED PLATYSPONDYLIC DWARFISM, SAN DIEGO TYPE. Identifiers: Orphanet 1860, Orphanet 2655, MedGen C1868678, MONDO:0008546, OMIM 187600. Disease mechanism: gain of function.
Thanatophoric dysplasia, type 2 (TD2). Also called: Thanatophoric Dysplasia Type 2 (TD Type 2); THANATOPHORIC DYSPLASIA WITH KLEEBLATTSCHAEDEL; THANATOPHORIC DYSPLASIA WITH STRAIGHT FEMURS AND CLOVERLEAF SKULL; CLOVERLEAF SKULL WITH THANATOPHORIC DWARFISM. Identifiers: Orphanet 2655, Orphanet 93274, MedGen C1300257, MONDO:0008547, OMIM 187601. Disease mechanism: gain of function.
Hypochondroplasia (HCH). Identifiers: Orphanet 429, MedGen C0410529, MONDO:0007793, OMIM 146000. Disease mechanism: gain of function.
Germ cell tumor of testis (TGCT). Also called: GERM CELL TUMOR, SOMATIC; Testicular germ cell tumor. Identifiers: Orphanet 363504, MedGen C1336708, MONDO:0010108, OMIM 273300.
Severe achondroplasia-developmental delay-acanthosis nigricans syndrome. Also called: Severe achondroplasia with developmental delay and acanthosis nigricans; SADDAN dysplasia. Identifiers: Orphanet 85165, MedGen C2674173, MONDO:0014658, OMIM 616482.
Lacrimoauriculodentodigital syndrome 2 (LADD2). Also called: LADD SYNDROME 2. Identifiers: MedGen C5774286, MONDO:0859577, OMIM 620192.
Colorectal cancer. Also called: Malignant Colorectal Neoplasm; Colorectal cancer, somatic. Identifiers: MedGen C0346629, MONDO:0005575, OMIM 114500.

Submission:

Juno Genomics, Hangzhou Juno Genomics, Inc
Classification: Uncertain significance for Achondroplasia; Malignant tumor of urinary bladder; Camptodactyly-tall stature-scoliosis-hearing loss syndrome; Cervical cancer; Colorectal cancer; Crouzon syndrome-acanthosis nigricans syndrome; Hypochondroplasia; Lacrimoauriculodentodigital syndrome 2; Muenke syndrome; Epidermal nevus; Severe achondroplasia-developmental delay-acanthosis nigricans syndrome; Germ cell tumor of testis; Thanatophoric dysplasia type 1; Thanatophoric dysplasia, type 2. Review status: criteria provided, single submitter. Criteria: ACMG Guidelines, 2015. Collection method: clinical testing. Allele origin: germline.
Comment: Absent from controls (or at extremely low frequency if recessive) in Genome Aggregation Database.;Multiple lines of computational evidence support a deleterious effect on the gene or gene product.

NM_000142.5(FGFR3):c.704G>A (p.Gly235Asp)

Gene: FGFR3 (fibroblast growth factor receptor 3; plus strand). Cytogenetic location: 4p16.3.
Variant type: single nucleotide variant.
Coding change: c.704G>A on transcript NM_000142.5 (MANE Select); coding-DNA position 704, G replaced by A.
Protein change: p.Gly235Asp; replaces glycine 235 with aspartic acid.
Molecular consequence: missense variant. On other transcripts: non-coding transcript variant (1).
Genome position (GRCh38, 1-based): chr4:1,801,708, G>A. VCF-style: chr4-1801708-G-A. GRCh37 (hg19) VCF-style: chr4-1803435-G-A.
Other names: c.704G>A, p.Gly235Asp (NM_001163213.2, NM_001354809.2, NM_001354810.2 and 1 more transcripts); short protein forms G235D.
Identifiers: ClinVar variation 5019821 (VCV005019821.2).